The following is an entry in ClinVar:

ClinVar aggregate classification (germline): Uncertain significance. Review status: criteria provided, multiple submitters, no conflicts (2 of 4 stars). 2 submissions from 2 submitters: Uncertain significance (2). Last evaluated 2023-06-07.

Conditions:
Autosomal dominant centronuclear myopathy. Also called: MYOTUBULAR MYOPATHY, AUTOSOMAL DOMINANT; Myopathy, centronuclear, 3. Identifiers: Orphanet 169189, MedGen C4551952, MeSH D020914, MONDO:0008048, OMIM 160150.

Allele frequency attached by ClinVar (database versions not stated): gnomAD below 0.00001 and 0.00001; gnomAD exomes below 0.00001.
gnomAD v4.1: 6 of 1,610,792 alleles (0.00037%); highest among the groups gnomAD compares: East Asian, 0.0045%; no homozygotes.

Submissions (2):

Ambry Genetics
Classification: Uncertain significance. Last evaluated: 2023-06-07. Review status: criteria provided, single submitter. Criteria: Ambry Variant Classification Scheme 2023. Collection method: clinical testing. Allele origin: germline.

Labcorp Genetics (formerly Invitae), Labcorp
Classification: Uncertain significance for Autosomal dominant centronuclear myopathy. Last evaluated: 2020-10-19. Review status: criteria provided, single submitter. Criteria: Invitae Variant Classification Sherloc (09022015). Collection method: clinical testing. Allele origin: germline.
Comment: In summary, the available evidence is currently insufficient to determine the role of this variant in disease. Therefore, it has been classified as a Variant of Uncertain Significance. Algorithms developed to predict the effect of missense changes on protein structure and function (SIFT, PolyPhen-2, Align-GVGD) all suggest that this variant is likely to be tolerated, but these predictions have not been confirmed by published functional studies and their clinical significance is uncertain. This variant has not been reported in the literature in individuals with MYF6-related conditions. This variant is not present in population databases (ExAC no frequency). This sequence change replaces glutamine with glutamic acid at codon 171 of the MYF6 protein (p.Gln171Glu). The glutamine residue is moderately conserved and there is a small physicochemical difference between glutamine and glutamic acid.

NM_002469.3(MYF6):c.511C>G (p.Gln171Glu)

Gene: MYF6 (myogenic factor 6; plus strand). Cytogenetic location: 12q21.31.
Variant type: single nucleotide variant.
Coding change: c.511C>G on transcript NM_002469.3 (MANE Select); coding-DNA position 511, C replaced by G.
Protein change: p.Gln171Glu; replaces glutamine 171 with glutamic acid.
Molecular consequence: missense variant.
Genome position (GRCh38, 1-based): chr12:80,708,230, C>G. VCF-style: chr12-80708230-C-G. GRCh37 (hg19) VCF-style: chr12-81102009-C-G.
Other names: c.511C>G (NM_002469.2); short protein forms Q171E.
Identifiers: ClinVar variation 1038226 (VCV001038226.12), dbSNP rs1013493242, ClinGen allele CA240237613.
Genomic context (GRCh38, chr12:80,708,230, plus strand): 5'-CTGGATCAGCAGGAGAAGATGCAGGAGCTGGGGGTGGACCCCTTCAGCTACAGACCCAAA[C>G]AAGAAAATGTAAGCCTAGATGCTGCCGGGGCAGGGAAATGCGAAGGCTGATTAAACGCCT-3'
Protein context (NP_002460.1, residues 161-181): GVDPFSYRPK[Gln171Glu]ENLEGADFLR